The following is an entry in ClinVar:

ClinVar aggregate classification (germline): Uncertain significance (1 of 4 stars; one submission).

Conditions:
Hypertrophic cardiomyopathy. Also called: HYPERTROPHIC MYOCARDIOPATHY. Identifiers: Orphanet 217569, MedGen C0007194, MeSH D002312, MONDO:0005045, HP:0001639.

Allele frequency attached by ClinVar (database versions not stated): gnomAD exomes below 0.00001.

Submission:

Labcorp Genetics (formerly Invitae), Labcorp
Classification: Uncertain significance for Hypertrophic cardiomyopathy. Last evaluated: 2025-06-18. Review status: criteria provided, single submitter. Criteria: Invitae Variant Classification Sherloc (09022015). Collection method: clinical testing. Allele origin: germline.
Comment: This sequence change replaces alanine, which is neutral and non-polar, with threonine, which is neutral and polar, at codon 35 of the TNNI3 protein (p.Ala35Thr). This variant is not present in population databases (gnomAD no frequency). This variant has not been reported in the literature in individuals affected with TNNI3-related conditions. ClinVar contains an entry for this variant (Variation ID: 1420864). An algorithm developed to predict the effect of missense changes on protein structure and function (PolyPhen-2) suggests that this variant is likely to be tolerated. In summary, the available evidence is currently insufficient to determine the role of this variant in disease. Therefore, it has been classified as a Variant of Uncertain Significance.

NM_000363.5(TNNI3):c.103G>A (p.Ala35Thr)

Gene: TNNI3 (troponin I3, cardiac type; minus strand). Cytogenetic location: 19q13.42.
Variant type: single nucleotide variant.
Coding change: c.103G>A on transcript NM_000363.5 (MANE Select); coding-DNA position 103, G replaced by A.
Protein change: p.Ala35Thr; replaces alanine 35 with threonine.
Molecular consequence: missense variant.
Genome position (GRCh38, 1-based): chr19:55,157,055, C>T on the plus strand (G>A on the coding strand, the complement: TNNI3 is on the minus strand). VCF-style: chr19-55157055-C-T. GRCh37 (hg19) VCF-style: chr19-55668423-C-T.
Other names: short protein forms A35T.
Identifiers: ClinVar variation 1420864 (VCV001420864.6), dbSNP rs1408482066, ClinGen allele CA407442842.
Genomic context (GRCh38, chr19:55,157,055, plus strand): 5'-AGGGTCTTGGATCCCTCCGGCGCCTGTACTCTGCCCCCAGGAAGCCCCGTCCCACCTTGG[C>T]GTGCGGCTCCGTGGCATAAGCGCGGTAGTTGGAGGAGCGGCGTCTGATTGGGGCTGGTGC-3'
Protein context (NP_000354.4, residues 25-45): NYRAYATEPH[Ala35Thr]KKKSKISASR